The following is an entry in ClinVar:

ClinVar aggregate classification (germline): Pathogenic. Review status: criteria provided, multiple submitters, no conflicts (2 of 4 stars). 2 submissions from 2 submitters: Pathogenic (2). Last evaluated 2026-03-26.

Conditions:
Cerebral cavernous malformation 3. Also called: Familial Cerebral Cavernous Malformation 3. Identifiers: Orphanet 221061, MedGen C1864040, MONDO:0011305, OMIM 603285.

Submissions (2):

GeneDx
Classification: Pathogenic. Last evaluated: 2026-03-26. Review status: criteria provided, single submitter. Criteria: GeneDx Variant Classification Process June 2021. Collection method: clinical testing. Allele origin: germline.
Comment: Frameshift variant predicted to result in protein truncation or nonsense mediated decay in a gene for which loss of function is a known mechanism of disease; Not observed at significant frequency in large population cohorts (gnomAD); This variant is associated with the following publications: (PMID: 24466005)

Labcorp Genetics (formerly Invitae), Labcorp
Classification: Pathogenic for Cerebral cavernous malformation 3. Last evaluated: 2021-08-27. Review status: criteria provided, single submitter. Criteria: Invitae Variant Classification Sherloc (09022015). Collection method: clinical testing. Allele origin: germline.
Comment: For these reasons, this variant has been classified as Pathogenic. This premature translational stop signal has been observed in individual(s) with cerebral cavernous malformations (PMID: 24466005). This variant is not present in population databases (ExAC no frequency). This sequence change creates a premature translational stop signal (p.Ser71Alafs*18) in the PDCD10 gene. It is expected to result in an absent or disrupted protein product. Loss-of-function variants in PDCD10 are known to be pathogenic (PMID: 15543491, 18300272, 23801932).

Literature cited by the submitters: PubMed 24466005 (cited by Labcorp Genetics (formerly Invitae), Labcorp); PubMed 15543491 (cited by Labcorp Genetics (formerly Invitae), Labcorp); PubMed 18300272 (cited by Labcorp Genetics (formerly Invitae), Labcorp); PubMed 23801932 (cited by Labcorp Genetics (formerly Invitae), Labcorp).

NM_007217.4(PDCD10):c.211del (p.Ser71fs)

Gene: PDCD10 (programmed cell death 10; minus strand). Cytogenetic location: 3q26.1.
Variant type: Deletion.
Coding change: c.211del on transcript NM_007217.4 (MANE Select); coding-DNA position 211, one base deleted (A; older notation c.211delA).
Protein change: p.Ser71fs; shifts the reading frame from serine 71.
Molecular consequence: frameshift variant.
Genome position (GRCh38, 1-based): chr3:167,697,066, T deleted on the plus strand (A on the coding strand, the reverse complement: PDCD10 is on the minus strand); the first of 7 consecutive T bases (chr3:167,697,066-167,697,072); deleting any one gives the same sequence. VCF-style (leftmost placement, unchanged base first): chr3-167697065-CT-C. GRCh37 (hg19) VCF-style: chr3-167414853-CT-C.
Other names: c.211del, p.Ser71fs (NM_145859.2, NM_145860.2); c.211del (NM_145860.1); short protein forms S71fs.
Identifiers: ClinVar variation 1358836 (VCV001358836.8), dbSNP rs2108409355, ClinGen allele CA436844154.